The following is an entry in ClinVar:

NM_020778.5(ALPK3):c.427_430del (p.Arg143fs)

Gene: ALPK3 (alpha kinase 3; plus strand). Cytogenetic location: 15q25.3.
Variant type: Deletion.
Coding change: c.427_430del on transcript NM_020778.5 (MANE Select); coding-DNA positions 427 to 430, 4 bases deleted (CGAG; older notation c.427_430delCGAG).
Protein change: p.Arg143fs; shifts the reading frame from arginine 143.
Molecular consequence: frameshift variant.
Genome position (GRCh38, 1-based): chr15:84,839,706-84,839,709, CGAG deleted. VCF-style (leftmost placement, unchanged base first): chr15-84839705-TCGAG-T. GRCh37 (hg19) VCF-style: chr15-85382936-TCGAG-T.
Other names: short protein forms R143fs.
Identifiers: ClinVar variation 2769825 (VCV002769825.3), dbSNP rs2505704730, ClinGen allele CA2697549429.

ClinVar aggregate classification (germline): Pathogenic (1 of 4 stars; one submission).

Submission:

Labcorp Genetics (formerly Invitae), Labcorp
Classification: Pathogenic. Last evaluated: 2023-10-18. Review status: criteria provided, single submitter. Criteria: Invitae Variant Classification Sherloc (09022015). Collection method: clinical testing. Allele origin: germline.
Comment: This sequence change creates a premature translational stop signal (p.Arg345Lysfs*29) in the ALPK3 gene. It is expected to result in an absent or disrupted protein product. Loss-of-function variants in ALPK3 are known to be pathogenic (PMID: 21441111, 26846950, 27106955, 34263907). This variant is not present in population databases (gnomAD no frequency). This variant has not been reported in the literature in individuals affected with ALPK3-related conditions. Algorithms developed to predict the effect of sequence changes on RNA splicing suggest that this variant may create or strengthen a splice site. For these reasons, this variant has been classified as Pathogenic.

Literature cited by the submitters: PubMed 21441111; PubMed 26846950; PubMed 27106955; PubMed 34263907.